The following is an entry in ClinVar:

ClinVar aggregate classification (germline): Likely pathogenic (1 of 4 stars; one submission).

Conditions:
DICER1-related tumor predisposition. Also called: DICER1 syndrome; DICER1-related pleuropulmonary blastoma cancer predisposition syndrome. Identifiers: Orphanet 284343, MedGen C3839822, MONDO:0100216.

Submission:

Labcorp Genetics (formerly Invitae), Labcorp
Classification: Likely pathogenic for DICER1-related tumor predisposition. Last evaluated: 2022-08-23. Review status: criteria provided, single submitter. Criteria: Invitae Variant Classification Sherloc (09022015). Collection method: clinical testing. Allele origin: germline.
Comment: In summary, the currently available evidence indicates that the variant is pathogenic, but additional data are needed to prove that conclusively. Therefore, this variant has been classified as Likely Pathogenic. Studies have shown that disruption of this splice site results in skipping of exon 13 and introduces a premature termination codon (Invitae). The resulting mRNA is expected to undergo nonsense-mediated decay. This variant has not been reported in the literature in individuals affected with DICER1-related conditions. This variant is not present in population databases (gnomAD no frequency). This sequence change affects an acceptor splice site in intron 12 of the DICER1 gene. RNA analysis indicates that disruption of this splice site induces altered splicing and may result in an absent or disrupted protein product.

NM_177438.3(DICER1):c.2041-1G>C

Gene: DICER1 (dicer 1, ribonuclease III; minus strand). Cytogenetic location: 14q32.13.
Variant type: single nucleotide variant.
Coding change: c.2041-1G>C on transcript NM_177438.3 (MANE Select); the canonical splice acceptor site of the intron before coding-DNA position 2041, G replaced by C.
Molecular consequence: splice acceptor variant.
Genome position (GRCh38, 1-based): chr14:95,112,248, C>G on the plus strand (G>C on the coding strand, the complement: DICER1 is on the minus strand). VCF-style: chr14-95112248-C-G. GRCh37 (hg19) VCF-style: chr14-95578585-C-G.
Other names: c.2041-1G>C (NM_001291628.2, NM_030621.4, NM_001395677.1 and 12 more transcripts); c.1636-1G>C (NM_001395690.1, NM_001395687.1, NM_001395689.1 and 3 more transcripts); c.1759-1G>C (NM_001395686.1); c.1474-1G>C (NM_001395691.1); c.358-1G>C (NM_001395697.1).
Identifiers: ClinVar variation 2026451 (VCV002026451.4), dbSNP rs1892041902, ClinGen allele CA390883147.